The following is an entry in ClinVar:

NM_201384.3(PLEC):c.3733C>A (p.Arg1245=)

Gene: PLEC (plectin; minus strand). Cytogenetic location: 8q24.3.
Variant type: single nucleotide variant.
Coding change: c.3733C>A on transcript NM_201384.3 (MANE Select); coding-DNA position 3733, C replaced by A.
Protein change: p.Arg1245=; no amino-acid change (arginine 1245 retained).
Molecular consequence: synonymous variant.
Genome position (GRCh38, 1-based): chr8:143,927,433, G>T on the plus strand (C>A on the coding strand, the complement: PLEC is on the minus strand). VCF-style: chr8-143927433-G-T. GRCh37 (hg19) VCF-style: chr8-145001601-G-T.
Other names: c.3814C>A, p.Arg1272= (NM_000445.5); c.3691C>A, p.Arg1231= (NM_201378.4); c.3667C>A, p.Arg1223= (NM_201379.3); c.4144C>A, p.Arg1382= (NM_201380.4); c.3637C>A, p.Arg1213= (NM_201381.3); c.3733C>A, p.Arg1245= (NM_201382.4); c.3745C>A, p.Arg1249= (NM_201383.3).
Identifiers: ClinVar variation 129945 (VCV000129945.50), dbSNP rs367688739, ClinGen allele CA154528.

ClinVar aggregate classification (germline): Benign/Likely benign. Review status: criteria provided, multiple submitters, no conflicts (2 of 4 stars). 9 submissions from 9 submitters: Benign (1); Likely benign (8). Last evaluated 2026-03-27.

Conditions:
PLEC-related disorder. Also called: PLEC-related condition; PLEC-related disorders.
Epidermolysis bullosa simplex with nail dystrophy (EBS5D). Identifiers: MedGen C4225309, MONDO:0014661, OMIM 616487.
Epidermolysis bullosa simplex 5B, with muscular dystrophy (EBS5B). Also called: Epidermolysis bullosa simplex with muscular dystrophy; EPIDERMOLYSIS BULLOSA SIMPLEX AND LIMB-GIRDLE MUSCULAR DYSTROPHY. Identifiers: Orphanet 257, MedGen C2931072, MONDO:0009181, OMIM 226670.
Epidermolysis bullosa simplex 5C, with pyloric atresia (EBS5C). Also called: PLEC1-Related Epidermolysis Bullosa with Pyloric Atresia; PLEC-Related Epidermolysis Bullosa with Pyloric Atresia; Epidermolysis bullosa simplex with pyloric atresia. Identifiers: Orphanet 158684, MedGen C2677349, MONDO:0012807, OMIM 612138.
Epidermolysis bullosa simplex, Ogna type (EBS5A). Also called: EPIDERMOLYSIS BULLOSA SIMPLEX 5A, OGNA TYPE; Pidermolysis bullosa simplex 5A, Ogna type. Identifiers: Orphanet 79401, MedGen C0432317, MONDO:0007555, OMIM 131950.
Autosomal recessive limb-girdle muscular dystrophy type 2Q (LGMDR17). Also called: MUSCULAR DYSTROPHY, LIMB-GIRDLE, AUTOSOMAL RECESSIVE 17. Identifiers: Orphanet 254361, MedGen C3150989, MONDO:0013390, OMIM 613723.

Allele frequency attached by ClinVar (database versions not stated): ESP Exome Variant Server 0.00008; TOPMed 0.00015; 1000 Genomes Project 30x 0.00016; 1000 Genomes Project 0.00020; gnomAD 0.00038.
gnomAD v4.1: 408 of 1,600,350 alleles (0.025%); highest among the groups gnomAD compares: Non-Finnish European, 0.023%; 1 homozygote.

Submissions (14):

PreventionGenetics, part of Exact Sciences
Classification: Likely benign for PLEC-related condition. Last evaluated: 2026-03-27. Review status: criteria provided, single submitter. Criteria: ACMG Guidelines, 2015. Collection method: clinical testing. Allele origin: germline.
Comment: This variant is classified as likely benign based on ACMG/AMP sequence variant interpretation guidelines (Richards et al. 2015 PMID: 25741868, with internal and published modifications).

Labcorp Genetics (formerly Invitae), Labcorp
Classification: Likely benign for Autosomal recessive limb-girdle muscular dystrophy type 2Q; Epidermolysis bullosa simplex, Ogna type; Epidermolysis bullosa simplex with nail dystrophy; Epidermolysis bullosa simplex 5C, with pyloric atresia; Epidermolysis bullosa simplex 5B, with muscular dystrophy. Last evaluated: 2026-01-05. Review status: criteria provided, single submitter. Criteria: Invitae Variant Classification Sherloc (09022015). Collection method: clinical testing. Allele origin: germline.

CeGaT Center for Human Genetics Tuebingen
Classification: Likely benign. Last evaluated: 2026-01-01. Review status: criteria provided, single submitter. Criteria: CeGaT Center For Human Genetics Tuebingen Variant Classification Criteria Version 2. Collection method: clinical testing. Allele origin: germline. Affected: yes. Observed: 4 variant alleles.
Comment: PLEC: BP4

Women's Health and Genetics/Laboratory Corporation of America, LabCorp
Classification: Likely benign. Last evaluated: 2025-12-09. Review status: criteria provided, single submitter. Criteria: LabCorp Variant Classification Summary - May 2015. Collection method: clinical testing. Allele origin: germline.
Comment: Variant summary: PLEC c.3814C>A results in a synonymous change. Consensus agreement among computation tools predict no significant impact on normal splicing. However, these predictions have yet to be confirmed by functional studies. The variant allele was found at a frequency of 0.0004 in 227316 control chromosomes. This frequency is not significantly higher than estimated for disease-causing variants in PLEC, allowing no conclusion about variant significance. To our knowledge, no occurrence of c.3814C>A in individuals affected with PLEC-related conditions and no experimental evidence demonstrating its impact on protein function have been reported. ClinVar contains an entry for this variant (Variation ID: 129945). Based on the evidence outlined above, the variant was classified as likely benign.

Blueprint Genetics
Classification: Likely benign. Last evaluated: 2024-11-07. Review status: criteria provided, single submitter. Criteria: ACMG Guidelines, 2015. Collection method: clinical testing. Allele origin: germline.

Athena Diagnostics
Classification: Benign. Last evaluated: 2024-07-05. Review status: criteria provided, single submitter. Criteria: Athena Diagnostics Criteria. Collection method: clinical testing. Allele origin: unknown.

GeneDx
Classification: Likely benign. Last evaluated: 2019-03-15. Review status: criteria provided, single submitter. Criteria: GeneDx Variant Classification Process June 2021. Collection method: clinical testing. Allele origin: germline. Affected: yes.

Eurofins Ntd Llc (ga)
Classification: Likely benign. Last evaluated: 2018-06-25. Review status: criteria provided, single submitter. Criteria: EGL ClinVar v180209 classification definitions. Collection method: clinical testing. Allele origin: germline. Observed: 2 variant alleles, 2 heterozygotes.

Genetic Services Laboratory, University of Chicago
Classification: Likely benign for AllHighlyPenetrant. Last evaluated: 2013-08-23. Review status: criteria provided, single submitter. Criteria: ACMG Guidelines, 2007. Collection method: clinical testing. Allele origin: germline. Inheritance: Autosomal recessive inheritance.

Dr. Peter K. Rogan Lab, Western University
No classification provided (evidence only). Condition: Lung cancer. Review status: no classification provided. Collection method: in vitro. Allele origin: not applicable. Functional consequence: retained intron. Not counted in ClinVar's aggregate classification.

Dr. Peter K. Rogan Lab, Western University
No classification provided (evidence only). Condition: Familial cancer of breast. Review status: no classification provided. Collection method: in vitro. Allele origin: not applicable. Functional consequence: retained intron. Not counted in ClinVar's aggregate classification.

Dr. Peter K. Rogan Lab, Western University
No classification provided (evidence only). Condition: Gastric cancer. Review status: no classification provided. Collection method: in vitro. Allele origin: not applicable. Functional consequence: retained intron. Not counted in ClinVar's aggregate classification.

Dr. Peter K. Rogan Lab, Western University
No classification provided (evidence only). Condition: Gastric cancer. Review status: no classification provided. Collection method: in vitro. Allele origin: not applicable. Functional consequence: retained intron. Not counted in ClinVar's aggregate classification.

Dr. Peter K. Rogan Lab, Western University
No classification provided (evidence only). Condition: Gastric cancer. Review status: no classification provided. Collection method: in vitro. Allele origin: not applicable. Functional consequence: retained intron. Not counted in ClinVar's aggregate classification.